The following is an entry in ClinVar:

ClinVar aggregate classification (germline): Uncertain significance (1 of 4 stars; one submission).

Submission:

Dasa
Classification: Uncertain significance. Last evaluated: 2025-07-01. Review status: criteria provided, single submitter. Criteria: DASA Assertion Criteria. Collection method: clinical testing. Allele origin: germline.
Comment: NM_001367534.1(CAMK2G):c.1432G>T (p.Ala478Ser) is a missense variant that results in the substitution of alanine with serine. This variant is absent from population databases. Computational prediction algorithms are consistent with a benign effect. The currently available literature and clinical evidence are not sufficient to establish a definitive association between this variant and the reported condition. Therefore, this variant is classified as a variant of uncertain significance.

NM_001367534.1(CAMK2G):c.1432G>T (p.Ala478Ser)

Gene: CAMK2G (calcium/calmodulin dependent protein kinase II gamma; minus strand). Cytogenetic location: 10q22.2.
Variant type: single nucleotide variant.
Coding change: c.1432G>T on transcript NM_001367534.1 (MANE Select); coding-DNA position 1432, G replaced by T.
Protein change: p.Ala478Ser; replaces alanine 478 with serine.
Molecular consequence: missense variant. On other transcripts: 3 prime UTR variant (2), non-coding transcript variant (8).
Genome position (GRCh38, 1-based): chr10:73,817,486, C>A on the plus strand (G>T on the coding strand, the complement: CAMK2G is on the minus strand). VCF-style: chr10-73817486-C-A. GRCh37 (hg19) VCF-style: chr10-75577244-C-A.
Other names: c.1255G>T, p.Ala419Ser (NM_001367531.1); c.1198G>T, p.Ala400Ser (NM_001367532.1); c.1294G>T, p.Ala432Ser (NM_001367533.1, NM_001367520.1); c.*30G>T (NM_001367535.1, NM_001367526.1); c.1273G>T, p.Ala425Ser (NM_001367536.1); c.955G>T, p.Ala319Ser (NM_001367537.1); c.841G>T, p.Ala281Ser (NM_001367538.1); c.1090G>T, p.Ala364Ser (NM_001367539.1); and 18 more; short protein forms A163S, A216S, A281S, A319S, A364S, A373S, A385S, A394S.
Identifiers: ClinVar variation 4882492 (VCV004882492.2).
Genomic context (GRCh38, chr10:73,817,486, plus strand): 5'-GGAAGGCCTTGGGAGATGACTTAGGTCACAAAAAAAAATGGGTCTCTACTTACGTGTAGG[C>A]CTCAAAGTCCCCATTGTTGATGGCTTCAATCAGCTGTTCTGTAATCTTAATGATCTCCTG-3'
Protein context (NP_001354463.1, residues 468-488): IEAINNGDFE[Ala478Ser]YTKICDPGLT